The following is an entry in ClinVar:

ClinVar aggregate classification (germline): Uncertain significance (1 of 4 stars; one submission).

Conditions:
Hypophosphatasia. Also called: Phosphoethanol-aminuria. Identifiers: Orphanet 436, MedGen C0020630, MeSH D007014, MONDO:0018570.

Submission:

Genomenon, Inc
Classification: Uncertain significance for Hypophosphatasia. Last evaluated: 2026-09-01. Review status: criteria provided, single submitter. Criteria: Genomenon Sequence Variant Interpretation Standards - Updated. Collection method: curation. Allele origin: germline. Affected: no.
Comment: ALPL p.Tyr28His (c.82T>C) is a missense variant that changes the amino acid at codon 28 from Tyrosine to Histidine. This variant has been reported in the published literature (PMID:40530336). It is absent or not present at a significant frequency in gnomAD. In silico models predict that this variant is possibly or probably damaging. In conclusion, we classify ALPL p.Tyr28His (c.82T>C) as a variant of uncertain significance.

Literature cited by the submitters: PubMed 40530336.

NM_000478.6(ALPL):c.82T>C (p.Tyr28His)

Gene: ALPL (alkaline phosphatase, biomineralization associated; plus strand). Cytogenetic location: 1p36.12.
Variant type: single nucleotide variant.
Coding change: c.82T>C on transcript NM_000478.6 (MANE Select); coding-DNA position 82, T replaced by C.
Protein change: p.Tyr28His; replaces tyrosine 28 with histidine.
Molecular consequence: missense variant. On other transcripts: 5 prime UTR variant (2).
Genome position (GRCh38, 1-based): chr1:21,560,646, T>C. VCF-style: chr1-21560646-T-C. GRCh37 (hg19) VCF-style: chr1-21887139-T-C.
Other names: c.-84T>C (NM_001127501.4); c.-34T>C (NM_001177520.3); c.82T>C, p.Tyr28His (NM_001369803.2, NM_001369804.2, NM_001369805.2); short protein forms Y28H.
Identifiers: ClinVar variation 4974809 (VCV004974809.1).